The following is an entry in ClinVar:

NM_020738.4(KIDINS220):c.860C>T (p.Ala287Val)

Gene: KIDINS220 (kinase D interacting substrate 220; minus strand). Cytogenetic location: 2p25.1.
Variant type: single nucleotide variant.
Coding change: c.860C>T on transcript NM_020738.4 (MANE Select); coding-DNA position 860, C replaced by T.
Protein change: p.Ala287Val; replaces alanine 287 with valine.
Molecular consequence: missense variant. On other transcripts: non-coding transcript variant (2).
Genome position (GRCh38, 1-based): chr2:8,800,440, G>A on the plus strand (C>T on the coding strand, the complement: KIDINS220 is on the minus strand). VCF-style: chr2-8800440-G-A. GRCh37 (hg19) VCF-style: chr2-8940570-G-A.
Other names: c.863C>T, p.Ala288Val (NM_001348729.2, NM_001348731.2, NM_001348734.2 and 3 more transcripts); c.860C>T, p.Ala287Val (NM_001348732.2, NM_001348735.2, NM_001348738.2 and 3 more transcripts); c.734C>T, p.Ala245Val (NM_001348736.2); short protein forms A245V, A287V, A288V.
Identifiers: ClinVar variation 2632739 (VCV002632739.1), dbSNP rs1333051733, ClinGen allele CA345772233.

ClinVar aggregate classification (germline): Uncertain significance (1 of 4 stars; one submission).

Conditions:
KIDINS220-related disorder. Also called: KIDINS220-related condition.

gnomAD v4.1: 4 of 1,613,210 alleles (0.00025%); highest among the groups gnomAD compares: Admixed American, 0.0017%; no homozygotes.

Submission:

PreventionGenetics, part of Exact Sciences
Classification: Uncertain significance for KIDINS220-related condition. Last evaluated: 2023-06-22. Review status: criteria provided, single submitter. Criteria: ACMG Guidelines, 2015. Collection method: clinical testing. Allele origin: germline.
Comment: The KIDINS220 c.860C>T variant is predicted to result in the amino acid substitution p.Ala287Val. To our knowledge, this variant has not been reported in the literature or in a large population database, indicating this variant is rare. At this time, the clinical significance of this variant is uncertain due to the absence of conclusive functional and genetic evidence.